The following is an entry in ClinVar:

NM_002860.4(ALDH18A1):c.1994G>A (p.Arg665Gln)

Gene: ALDH18A1 (aldehyde dehydrogenase 18 family member A1; minus strand). Cytogenetic location: 10q24.1.
Variant type: single nucleotide variant.
Coding change: c.1994G>A on transcript NM_002860.4 (MANE Select); coding-DNA position 1994, G replaced by A.
Protein change: p.Arg665Gln; replaces arginine 665 with glutamine.
Molecular consequence: missense variant.
Genome position (GRCh38, 1-based): chr10:95,611,372, C>T on the plus strand (G>A on the coding strand, the complement: ALDH18A1 is on the minus strand). VCF-style: chr10-95611372-C-T. GRCh37 (hg19) VCF-style: chr10-97371129-C-T.
Other names: c.1988G>A, p.Arg663Gln (NM_001017423.2, NM_001323415.2); c.1661G>A, p.Arg554Gln (NM_001323412.2, NM_001323416.2); c.1994G>A, p.Arg665Gln (NM_001323413.2, NM_001323414.2); c.1889G>A, p.Arg630Gln (NM_001323417.2); c.1655G>A, p.Arg552Gln (NM_001323418.2); c.1358G>A, p.Arg453Gln (NM_001323419.2); short protein forms R453Q, R552Q, R554Q, R630Q, R663Q, R665Q.
Identifiers: ClinVar variation 3252995 (VCV003252995.3), dbSNP rs766264810.
Genomic context (GRCh38, chr10:95,611,372, plus strand): 5'-ATGGCATCCTGAACGTTGTCCACTACTTCAATGCATAATTCCAGGTCCCCATACTCAGTT[C>T]GGAGTGACTTCACTTCGGAGGGGCTGAAGGTCAGATAGGAGGCAAATTTGGGGCCTGCAT-3'
Protein context (NP_002851.2, residues 655-675): TFSPSEVKSL[Arg665Gln]TEYGDLELCI

ClinVar aggregate classification (germline): Conflicting classifications of pathogenicity. Review status: criteria provided, conflicting classifications (1 of 4 stars). 2 submissions from 2 submitters: Likely pathogenic (1); Uncertain significance (1). Last evaluated 2025-01-01.

Conditions:
Cutis laxa, autosomal dominant 3 (ADCL3). Identifiers: Orphanet 90348, MedGen C4225268, MONDO:0014706, OMIM 616603.
de Barsy syndrome. Also called: Cutis laxa-corneal clouding-oligophrenia syndrome. Identifiers: Orphanet 2962, MedGen C0268354, MONDO:0017569.
Autosomal dominant spastic paraplegia type 9. Identifiers: MedGen C1832669, MONDO:0015091.

Allele frequency attached by ClinVar (database versions not stated): gnomAD exomes below 0.00001; ExAC 0.00001; gnomAD 0.00001; TOPMed 0.00002.
gnomAD v4.1: 9 of 1,614,060 alleles (0.00056%); highest among the groups gnomAD compares: African/African-American, 0.004%; no homozygotes.

Submissions (2):

Labcorp Genetics (formerly Invitae), Labcorp
Classification: Likely pathogenic for Autosomal dominant spastic paraplegia type 9; de Barsy syndrome; Cutis laxa, autosomal dominant 3. Last evaluated: 2025-01-01. Review status: criteria provided, single submitter. Criteria: Invitae Variant Classification Sherloc (09022015). Collection method: clinical testing. Allele origin: germline.
Comment: This sequence change replaces arginine, which is basic and polar, with glutamine, which is neutral and polar, at codon 665 of the ALDH18A1 protein (p.Arg665Gln). This variant is present in population databases (rs766264810, gnomAD 0.006%). This missense change has been observed in individual(s) with autosomal recessive hereditary spastic paraplegia (PMID: 29915212, 35464835). In at least one individual the data is consistent with being in trans (on the opposite chromosome) from a pathogenic variant. It has also been observed to segregate with disease in related individuals. ClinVar contains an entry for this variant (Variation ID: 3252995). Invitae Evidence Modeling of protein sequence and biophysical properties (such as structural, functional, and spatial information, amino acid conservation, physicochemical variation, residue mobility, and thermodynamic stability) has been performed for this missense variant. However, the output from this modeling did not meet the statistical confidence thresholds required to predict the impact of this variant on ALDH18A1 protein function. In summary, the currently available evidence indicates that the variant is pathogenic, but additional data are needed to prove that conclusively. Therefore, this variant has been classified as Likely Pathogenic.

GeneDx
Classification: Uncertain significance. Last evaluated: 2024-04-19. Review status: criteria provided, single submitter. Criteria: GeneDx Variant Classification Process June 2021. Collection method: clinical testing. Allele origin: germline. Affected: yes.
Comment: Not observed at significant frequency in large population cohorts (gnomAD); In silico analysis indicates that this missense variant does not alter protein structure/function; This variant is associated with the following publications: (PMID: 32798076, 35464835, 29915212)

Literature cited by the submitters: PubMed 29915212 (cited by Labcorp Genetics (formerly Invitae), Labcorp); PubMed 35464835 (cited by Labcorp Genetics (formerly Invitae), Labcorp).